The following is an entry in ClinVar:

NR_003137.3(RNU4-2):n.11A>C

Genes: RNU4-2 (RNA, U4 small nuclear 2; minus strand), SIRT4 (sirtuin 4; plus strand). Cytogenetic location: 12q24.23.
Variant type: single nucleotide variant.
Molecular consequence: non-coding transcript variant (on NR_003137.3).
Genome position: GRCh38 VCF-style: chr12-120291893-T-G. GRCh37 (hg19) VCF-style: chr12-120729696-T-G.
Identifiers: ClinVar variation 4795830 (VCV004795830.1).

ClinVar aggregate classification (germline): Likely pathogenic (1 of 4 stars; one submission).

Conditions:
Neurodevelopmental disorder with hypotonia, brain anomalies, distinctive facies, and absent language. Also called: ReNU SYNDROME; RNU4-2-Related Neurodevelopmental Disorder; RNU4-2–Related Autosomal Dominant Neurodevelopmental Disorder. Identifiers: Orphanet 686488, MedGen C5935628, MONDO:0971172, OMIM 620851.

gnomAD v4.1: 3 of 152,178 alleles (0.002%); highest among the groups gnomAD compares: Non-Finnish European, 0.0029%; no homozygotes.

Submission:

Centre for Population Genomics, CPG
Classification: Likely pathogenic for RNU4-2-Related Neurodevelopmental Disorder. Last evaluated: 2026-02-11. Review status: criteria provided, single submitter. Criteria: Ellingford et al. (Genome Med. 2022). Collection method: research. Allele origin: germline. Inheritance: Autosomal recessive inheritance. Affected: yes. Observed: 1 variant allele, 1 compound heterozygote.
Comment: PM2_supp,PS3_supp,PM1,PM3